The following is an entry in ClinVar:

ClinVar aggregate classification (germline): Uncertain significance (1 of 4 stars; one submission).

Conditions:
Epidermolysis bullosa simplex 5B, with muscular dystrophy (EBS5B). Also called: Epidermolysis bullosa simplex with muscular dystrophy; EPIDERMOLYSIS BULLOSA SIMPLEX AND LIMB-GIRDLE MUSCULAR DYSTROPHY. Identifiers: Orphanet 257, MedGen C2931072, MONDO:0009181, OMIM 226670.
Epidermolysis bullosa simplex, Ogna type (EBS5A). Also called: Pidermolysis bullosa simplex 5A, Ogna type; EPIDERMOLYSIS BULLOSA SIMPLEX 5A, OGNA TYPE. Identifiers: Orphanet 79401, MedGen C0432317, MONDO:0007555, OMIM 131950.
Epidermolysis bullosa simplex 5C, with pyloric atresia (EBS5C). Also called: PLEC-Related Epidermolysis Bullosa with Pyloric Atresia; Epidermolysis bullosa simplex with pyloric atresia; PLEC1-Related Epidermolysis Bullosa with Pyloric Atresia. Identifiers: Orphanet 158684, MedGen C2677349, MONDO:0012807, OMIM 612138.
Autosomal recessive limb-girdle muscular dystrophy type 2Q (LGMDR17). Also called: MUSCULAR DYSTROPHY, LIMB-GIRDLE, AUTOSOMAL RECESSIVE 17. Identifiers: Orphanet 254361, MedGen C3150989, MONDO:0013390, OMIM 613723.
Epidermolysis bullosa simplex with nail dystrophy (EBS5D). Identifiers: MedGen C4225309, MONDO:0014661, OMIM 616487.

Allele frequency attached by ClinVar (database versions not stated): gnomAD 0.00001; TOPMed 0.00001.
gnomAD v4.1: 11 of 1,612,606 alleles (0.00068%); highest among the groups gnomAD compares: African/African-American, 0.0027%; no homozygotes.

Submission:

Labcorp Genetics (formerly Invitae), Labcorp
Classification: Uncertain significance for Autosomal recessive limb-girdle muscular dystrophy type 2Q; Epidermolysis bullosa simplex, Ogna type; Epidermolysis bullosa simplex with nail dystrophy; Epidermolysis bullosa simplex 5C, with pyloric atresia; Epidermolysis bullosa simplex 5B, with muscular dystrophy. Last evaluated: 2020-02-19. Review status: criteria provided, single submitter. Criteria: Invitae Variant Classification Sherloc (09022015). Collection method: clinical testing. Allele origin: germline.
Comment: In summary, the available evidence is currently insufficient to determine the role of this variant in disease. Therefore, it has been classified as a Variant of Uncertain Significance. Algorithms developed to predict the effect of missense changes on protein structure and function are either unavailable or do not agree on the potential impact of this missense change (SIFT: "Deleterious"; PolyPhen-2: "Not Available"; Align-GVGD: "Class C0"). This variant has not been reported in the literature in individuals with PLEC-related conditions. This variant is not present in population databases (ExAC no frequency). This sequence change replaces valine with methionine at codon 295 of the PLEC protein (p.Val295Met). The valine residue is moderately conserved and there is a small physicochemical difference between valine and methionine.

NM_201384.3(PLEC):c.802G>A (p.Val268Met)

Gene: PLEC (plectin; minus strand). Cytogenetic location: 8q24.3.
Variant type: single nucleotide variant.
Coding change: c.802G>A on transcript NM_201384.3 (MANE Select); coding-DNA position 802, G replaced by A.
Protein change: p.Val268Met; replaces valine 268 with methionine.
Molecular consequence: missense variant.
Genome position (GRCh38, 1-based): chr8:143,935,034, C>T on the plus strand (G>A on the coding strand, the complement: PLEC is on the minus strand). VCF-style: chr8-143935034-C-T. GRCh37 (hg19) VCF-style: chr8-145009202-C-T.
Other names: c.883G>A, p.Val295Met (NM_000445.5); c.760G>A, p.Val254Met (NM_201378.4); c.736G>A, p.Val246Met (NM_201379.3); c.1213G>A, p.Val405Met (NM_201380.4); c.706G>A, p.Val236Met (NM_201381.3); c.802G>A, p.Val268Met (NM_201382.4); c.814G>A, p.Val272Met (NM_201383.3); short protein forms V236M, V246M, V254M, V268M, V272M, V295M, V405M.
Identifiers: ClinVar variation 1001537 (VCV001001537.5), dbSNP rs1254577041, ClinGen allele CA372587001.
Genomic context (GRCh38, chr8:143,935,034, plus strand): 5'-AGGCCCAAGCCCCCTGCCCTCCGGGCCCCCCACTCACGTTGGCCCTCACCCCATCCTGCA[C>T]GTCCGGCACGCGGGGCATGGCGTCATACAGCGACGAGACGTAGGTGATGATGGACTTCTC-3'
Protein context (NP_958786.1, residues 258-278): LYDAMPRVPD[Val268Met]QDGVRANELQ